The following is an entry in ClinVar:

ClinVar aggregate classification (germline): Uncertain significance. Review status: criteria provided, multiple submitters, no conflicts (2 of 4 stars). 2 submissions from 2 submitters: Uncertain significance (2). Last evaluated 2024-10-09.

Conditions:
Inborn genetic diseases. Identifiers: MedGen C0950123, MeSH D030342.

Submissions (2):

Ambry Genetics
Classification: Uncertain significance for Inborn genetic diseases. Last evaluated: 2024-10-09. Review status: criteria provided, single submitter. Criteria: Ambry Variant Classification Scheme 2023. Collection method: clinical testing. Allele origin: germline.

GeneDx
Classification: Uncertain significance. Last evaluated: 2019-09-12. Review status: criteria provided, single submitter. Criteria: GeneDx Variant Classification Process June 2021. Collection method: clinical testing. Allele origin: germline. Affected: yes.
Comment: Not observed in large population cohorts (Lek et al., 2016); In silico analysis, which includes protein predictors and evolutionary conservation, supports a deleterious effect; Has not been previously published as pathogenic or benign to our knowledge

NM_001190274.2(FBXO11):c.643C>T (p.Pro215Ser)

Gene: FBXO11 (F-box protein 11; minus strand). Cytogenetic location: 2p16.3.
Variant type: single nucleotide variant.
Coding change: c.643C>T on transcript NM_001190274.2 (MANE Select); coding-DNA position 643, C replaced by T.
Protein change: p.Pro215Ser; replaces proline 215 with serine.
Molecular consequence: missense variant.
Genome position (GRCh38, 1-based): chr2:47,835,946, G>A on the plus strand (C>T on the coding strand, the complement: FBXO11 is on the minus strand). VCF-style: chr2-47835946-G-A. GRCh37 (hg19) VCF-style: chr2-48063085-G-A.
Other names: c.391C>T, p.Pro131Ser (NM_001374325.1, NM_025133.4); short protein forms P131S, P215S.
Identifiers: ClinVar variation 1308194 (VCV001308194.3), dbSNP rs1387053758, ClinGen allele CA346812312.